The following is an entry in ClinVar:

Single allele

Genes: CTNNA3 (catenin alpha 3; minus strand), LOC132089819 (Neanderthal introgressed variant-containing enhancer experimental_15354; plus strand). Cytogenetic location: 10q21.3.
Variant type: Deletion.
Identifiers: ClinVar variation 157172 (VCV000157172.2).

ClinVar aggregate classification (germline): not provided (0 of 4 stars; one submission).

Conditions:
Gestational diabetes mellitus uncontrolled. Identifiers: MedGen C3532257.

Submission:

Institute of Molecular and Cell Biology, University of Tartu
No classification provided. Condition: Gestational diabetes mellitus uncontrolled. Review status: no classification provided. Collection method: case-control. Allele origin: unknown. Affected: yes. Study: Kasak2014.
Comment: The study aimed to determine the contribution of copy number variants in the genetic etiology of normal and complicated pregnancies. The samples represented (i) maternal blood DNA drawn from healthy pregnant women during 1st or 2nd trimester and (ii) maternal and paternal blood DNA drawn at term pregnancy cases representing normal and complicated gestations (severe preeclampsia, PE; gestational diabetes, GD; small-for-gestational age newborn, SGA; large-for-gestational age newborn, LGA). We performed CNV calling based on genome-wide genotyping dataset (Illumina HumanOmniExpress-24-v1 BeadChip) by applying three algorithms, QuantiSNP, GADA (Genome Alteration Detection Algorithm) and CNstream in parallel. The acquired CNV calls were merged with HD-CNV (Hotspot Detector for Copy Number Variants) program and only the CNVs predicted by at least two programs, were considered in subsequent analysis.

Literature cited by the submitters: PubMed 25666259.